The following is an entry in ClinVar:

NM_000059.4(BRCA2):c.5649A>C (p.Lys1883Asn)

Gene: BRCA2 (BRCA2 DNA repair associated; plus strand). Cytogenetic location: 13q13.1.
Variant type: single nucleotide variant.
Coding change: c.5649A>C on transcript NM_000059.4 (MANE Select); coding-DNA position 5649, A replaced by C.
Protein change: p.Lys1883Asn; replaces lysine 1883 with asparagine.
Molecular consequence: missense variant.
Genome position (GRCh38, 1-based): chr13:32,340,004, A>C. VCF-style: chr13-32340004-A-C. GRCh37 (hg19) VCF-style: chr13-32914141-A-C.
Other names: 5877A>C; short protein forms K1883N.
Identifiers: ClinVar variation 91421 (VCV000091421.26), dbSNP rs80358787, ClinGen allele CA022832.

ClinVar aggregate classification (germline): Conflicting classifications of pathogenicity. Review status: criteria provided, conflicting classifications (1 of 4 stars). 11 submissions from 11 submitters: Uncertain significance (1); Likely benign (7). 3 of the submissions do not count toward it. Last evaluated 2025-07-02.

Conditions:
Hereditary breast ovarian cancer syndrome. Also called: Breast and ovarian cancer; Hereditary breast and ovarian cancer; Hereditary breast and ovarian cancer syndrome; BRCA1- and BRCA2-Associated Hereditary Breast and Ovarian Cancer; Hereditary breast and ovarian cancer syndrome (HBOC); Hereditary breast and/or ovarian cancer syndrome. Identifiers: Orphanet 145, MedGen C0677776, MeSH D061325, MONDO:0003582. Disease mechanism: loss of function.
Breast-ovarian cancer, familial, susceptibility to, 2 (BROVCA2). Also called: BRCA2 Hereditary Breast and Ovarian Cancer. Identifiers: Orphanet 145, MedGen C2675520, MONDO:0012933, OMIM 612555. Disease mechanism: loss of function.
Hereditary cancer-predisposing syndrome. Also called: Tumor predisposition; Hereditary Cancer Syndrome; Neoplastic Syndromes, Hereditary; Hereditary neoplastic syndrome. Identifiers: Orphanet 140162, MedGen C0027672, MeSH D009386, MONDO:0015356.
Malignant tumor of breast. Also called: Malignant breast neoplasm; Cancer breast. Identifiers: MedGen C0006142, MONDO:0007254. Disease mechanism: loss of function.

Allele frequency attached by ClinVar (database versions not stated): gnomAD exomes 0.00001.
gnomAD v4.1: 4 of 1,612,786 alleles (0.00025%); highest among the groups gnomAD compares: Non-Finnish European, 0.00034%; no homozygotes.

Submissions (11):

Labcorp Genetics (formerly Invitae), Labcorp
Classification: Likely benign for Hereditary breast ovarian cancer syndrome. Last evaluated: 2025-07-02. Review status: criteria provided, single submitter. Criteria: Invitae Variant Classification Sherloc (09022015). Collection method: clinical testing. Allele origin: germline.

All of Us Research Program, National Institutes of Health
Classification: Likely benign for Breast-ovarian cancer, familial, susceptibility to, 2. Last evaluated: 2023-10-06. Review status: criteria provided, single submitter. Criteria: ACMG Guidelines, 2015. Collection method: clinical testing. Allele origin: germline. Inheritance: Autosomal dominant inheritance. Observed: 1 variant allele, 1 heterozygote.
Comment: This study involves interpretation of variants in research participants for the purpose of population health screening. Participant phenotype was not available at the time of variant classification. Additional details can be found in publication PMID: 35346344, PMCID: PMC8962531

University of Washington Department of Laboratory Medicine, University of Washington
Classification: Likely benign for Hereditary cancer-predisposing syndrome. Last evaluated: 2023-03-23. Review status: criteria provided, single submitter. Criteria: Dines et al. (Genet Med. 2020). Collection method: curation. Allele origin: germline.
Comment: Missense variant in a coldspot region where missense variants are very unlikely to be pathogenic (PMID:31911673).

BRCA2 exon 11 coldspot. Reclassification based on statistical prior probability.

Quest Diagnostics Nichols Institute San Juan Capistrano
Classification: Likely benign. Last evaluated: 2021-07-02. Review status: criteria provided, single submitter. Criteria: Quest Diagnostics criteria. Collection method: clinical testing. Allele origin: unknown.

GeneDx
Classification: Likely benign. Last evaluated: 2019-06-25. Review status: criteria provided, single submitter. Criteria: GeneDx Variant Classification Process June 2021. Collection method: clinical testing. Allele origin: germline. Affected: yes.
Comment: This variant is associated with the following publications: (PMID: 30212499)

Women's Health and Genetics/Laboratory Corporation of America, LabCorp
Classification: Uncertain significance. Last evaluated: 2018-06-11. Review status: criteria provided, single submitter. Criteria: LabCorp Variant Classification Summary - May 2015. Collection method: clinical testing. Allele origin: germline.
Comment: Variant summary: BRCA2 c.5649A>C (p.Lys1883Asn) results in a non-conservative amino acid change in the encoded protein sequence. Four of five in-silico tools predict a benign effect of the variant on protein function. The variant was absent in 244700 control chromosomes (gnomAD). The available data on variant occurrences in the general population are insufficient to allow any conclusion about variant significance. To our knowledge, no occurrence of c.5649A>C in individuals affected with Hereditary Breast and Ovarian Cancer and no experimental evidence demonstrating its impact on protein function have been reported. Three ClinVar submissions from clinical diagnostic laboratories (evaluation after 2014) cite the variant as uncertain significance (2x) or likely benign (1x). Based on the evidence outlined above, the variant was classified as uncertain significance.

Ambry Genetics
Classification: Likely benign for Hereditary cancer-predisposing syndrome. Last evaluated: 2017-12-29. Review status: criteria provided, single submitter. Criteria: Ambry Variant Classification Scheme 2023. Collection method: clinical testing. Allele origin: germline.

Color Diagnostics, LLC DBA Color Health
Classification: Likely benign for Hereditary cancer-predisposing syndrome. Last evaluated: 2015-07-22. Review status: criteria provided, single submitter. Criteria: ACMG Guidelines, 2015. Collection method: clinical testing. Allele origin: germline.

Sharing Clinical Reports Project (SCRP)
Classification: Uncertain significance for Breast-ovarian cancer, familial 2. Last evaluated: 2008-03-13. Review status: no assertion criteria provided. Collection method: clinical testing. Allele origin: germline. Not counted in ClinVar's aggregate classification.

Breast Cancer Information Core (BIC) (BRCA2)
Classification: Uncertain significance for Breast-ovarian cancer, familial 2. Last evaluated: 2002-05-29. Review status: no assertion criteria provided. Collection method: clinical testing. Allele origin: germline. Affected: yes. Observed: 1 variant allele. Not counted in ClinVar's aggregate classification.

Department of Pathology and Laboratory Medicine, Sinai Health System
Classification: Uncertain significance for Malignant tumor of breast. Review status: no assertion criteria provided. Collection method: clinical testing. Allele origin: unknown. Affected: yes. Study: The Canadian Open Genetics Repository (COGR). Not counted in ClinVar's aggregate classification.
Comment: The BRCA2 p.Lys1883Asn variant was not identified in the literature, but was identified in dbSNP (ID: rs80358787) â€šÃ„ÃºWith uncertain significance alleleâ€šÃ„Ã¹, Clinvitae database (classified as uncertain significance), the ClinVar database (classification of uncertain significance by Ambry Genetics, BIC and the Sharing Clinical Reports Project) and the BIC database (1X with unknown clinical importance, classification pending). The variant was not identified in control databases NHLBI Exome Sequencing Project (Exome Variant Server), Exome Aggregation Consortium (ExAC) or the 1000 Genomes Project. The p.Lys1883 residue is not conserved in mammals and the variant amino acid Asn is present in macaque, increasing the likelihood that this variant does not have clinical significance. In addition, four out of five computational analyses (PolyPhen-2, SIFT, AlignGVGD, BLOSUM, MutationTaster) do not suggest a high likelihood of impact to the protein; however, this information is not predictive enough to rule out pathogenicity. In summary, based on the above information, the clinical significance of this variant cannot be determined with certainty at this time although we would lean towards a more benign role for this variant. This variant is classified as a variant of uncertain significance.

Literature cited by the submitters: PubMed 31131967 (cited by Quest Diagnostics Nichols Institute San Juan Capistrano); PubMed 33293522 (cited by Quest Diagnostics Nichols Institute San Juan Capistrano).